The following is an entry in ClinVar:

NM_000455.5(STK11):c.133C>G (p.Leu45Val)

Gene: STK11 (serine/threonine kinase 11; plus strand). Cytogenetic location: 19p13.3.
Variant type: single nucleotide variant.
Coding change: c.133C>G on transcript NM_000455.5 (MANE Select); coding-DNA position 133, C replaced by G.
Protein change: p.Leu45Val; replaces leucine 45 with valine.
Molecular consequence: missense variant.
Genome position (GRCh38, 1-based): chr19:1,207,046, C>G. VCF-style: chr19-1207046-C-G. GRCh37 (hg19) VCF-style: chr19-1207045-C-G.
Other names: short protein forms L45V.
Identifiers: ClinVar variation 584567 (VCV000584567.10), dbSNP rs1568690121, ClinGen allele CA402944011.
Genomic context (GRCh38, chr19:1,207,046, plus strand): 5'-TTCATCCACCGCATCGACTCCACCGAGGTCATCTACCAGCCGCGCCGCAAGCGGGCCAAG[C>G]TCATCGGCAAGTACCTGATGGGGGACCTGCTGGGGGAAGGCTCTTACGGCAAGGTGAAGG-3'
Protein context (NP_000446.1, residues 35-55): IYQPRRKRAK[Leu45Val]IGKYLMGDLL

ClinVar aggregate classification (germline): Uncertain significance. Review status: criteria provided, multiple submitters, no conflicts (2 of 4 stars). 4 submissions from 4 submitters: Uncertain significance (4). Last evaluated 2024-02-07.

Conditions:
Peutz-Jeghers syndrome (PJS). Also called: POLYPOSIS, HAMARTOMATOUS INTESTINAL; POLYPS-AND-SPOTS SYNDROME; Peutz-Jeghers polyposis; Periorificial lentiginosis syndrome. Identifiers: Orphanet 2869, MedGen C0031269, MeSH D010580, MONDO:0008280, OMIM 175200.
Hereditary cancer-predisposing syndrome. Also called: Neoplastic Syndromes, Hereditary; Hereditary Cancer Syndrome; Tumor predisposition; Hereditary neoplastic syndrome. Identifiers: Orphanet 140162, MedGen C0027672, MeSH D009386, MONDO:0015356.
Melanoma, cutaneous malignant, susceptibility to, 1 (CMM1). Also called: DYSPLASTIC NEVUS SYNDROME, HEREDITARY; FAMILIAL ATYPICAL MOLE-MALIGNANT MELANOMA SYNDROME; MELANOMA, MALIGNANT; B-K MOLE SYNDROME. Identifiers: Orphanet 618, MedGen C1835047, MONDO:0007963, OMIM 155600.

Submissions (4):

Baylor Genetics
Classification: Uncertain significance for Melanoma, cutaneous malignant, susceptibility to, 1. Last evaluated: 2024-02-07. Review status: criteria provided, single submitter. Criteria: ACMG Guidelines, 2015. Collection method: clinical testing. Allele origin: unknown.

Labcorp Genetics (formerly Invitae), Labcorp
Classification: Uncertain significance for Peutz-Jeghers syndrome. Last evaluated: 2022-09-20. Review status: criteria provided, single submitter. Criteria: Invitae Variant Classification Sherloc (09022015). Collection method: clinical testing. Allele origin: germline.
Comment: In summary, the available evidence is currently insufficient to determine the role of this variant in disease. Therefore, it has been classified as a Variant of Uncertain Significance. Algorithms developed to predict the effect of sequence changes on RNA splicing suggest that this variant may create or strengthen a splice site. Advanced modeling of protein sequence and biophysical properties (such as structural, functional, and spatial information, amino acid conservation, physicochemical variation, residue mobility, and thermodynamic stability) performed at Invitae indicates that this missense variant is not expected to disrupt STK11 protein function. ClinVar contains an entry for this variant (Variation ID: 584567). This variant has not been reported in the literature in individuals affected with STK11-related conditions. This variant is not present in population databases (gnomAD no frequency). This sequence change replaces leucine, which is neutral and non-polar, with valine, which is neutral and non-polar, at codon 45 of the STK11 protein (p.Leu45Val).

Ambry Genetics
Classification: Uncertain significance for Hereditary cancer-predisposing syndrome. Last evaluated: 2021-06-30. Review status: criteria provided, single submitter. Criteria: Ambry Variant Classification Scheme 2023. Collection method: clinical testing. Allele origin: germline.
Comment: The p.L45V variant (also known as c.133C>G), located in coding exon 1 of the STK11 gene, results from a C to G substitution at nucleotide position 133. The leucine at codon 45 is replaced by valine, an amino acid with highly similar properties. This alteration has been reported in 1/1197 individuals from Greece, Romania, and Turkey undergoing evaluation for inherited cancer predisposition (Tsaousis GN et al. BMC Cancer, 2019 Jun;19:535). This amino acid position is highly conserved in available vertebrate species. In addition, this alteration is predicted to be tolerated by in silico analysis. Since supporting evidence is limited at this time, the clinical significance of this alteration remains unclear.

GeneKor MSA
Classification: Uncertain significance for Hereditary cancer-predisposing syndrome. Last evaluated: 2018-08-01. Review status: criteria provided, single submitter. Criteria: ACMG Guidelines, 2015. Collection method: clinical testing. Allele origin: germline. Affected: yes.

Literature cited by the submitters: PubMed 31159747 (cited by Ambry Genetics).